The following is an entry in ClinVar:

NM_002334.4(LRP4):c.2918G>A (p.Arg973Gln)

Gene: LRP4 (LDL receptor related protein 4; minus strand). Cytogenetic location: 11p11.2.
Variant type: single nucleotide variant.
Coding change: c.2918G>A on transcript NM_002334.4 (MANE Select); coding-DNA position 2918, G replaced by A.
Protein change: p.Arg973Gln; replaces arginine 973 with glutamine.
Molecular consequence: missense variant.
Genome position (GRCh38, 1-based): chr11:46,879,212, C>T on the plus strand (G>A on the coding strand, the complement: LRP4 is on the minus strand). VCF-style: chr11-46879212-C-T. GRCh37 (hg19) VCF-style: chr11-46900763-C-T.
Other names: c.2918G>A (NM_002334.3); short protein forms R973Q.
Identifiers: ClinVar variation 2418484 (VCV002418484.4), dbSNP rs200029707, ClinGen allele CA5969754.

ClinVar aggregate classification (germline): Uncertain significance. Review status: criteria provided, multiple submitters, no conflicts (2 of 4 stars). 2 submissions from 2 submitters: Uncertain significance (2). Last evaluated 2024-09-04.

Conditions:
Cenani-Lenz syndactyly syndrome. Also called: CENANI SYNDACTYLISM; SYNDACTYLY, TYPE VII. Identifiers: Orphanet 3258, MedGen C1859309, MONDO:0008931, OMIM 212780.
Congenital myasthenic syndrome 17. Identifiers: Orphanet 590, MedGen C4225377, MONDO:0014578, OMIM 616304.
Sclerosteosis 2 (SOST2). Identifiers: Orphanet 3152, MedGen C3280402, MONDO:0013679, OMIM 614305.
Inborn genetic diseases. Identifiers: MedGen C0950123, MeSH D030342.

Allele frequency attached by ClinVar (database versions not stated): TOPMed below 0.00001; 1000 Genomes Project 30x 0.00016; 1000 Genomes Project 0.00020.
gnomAD v4.1: 8 of 1,614,222 alleles (0.0005%); highest among the groups gnomAD compares: Admixed American, 0.0033%; no homozygotes.

Submissions (2):

Ambry Genetics
Classification: Uncertain significance for Inborn genetic diseases. Last evaluated: 2024-09-04. Review status: criteria provided, single submitter. Criteria: Ambry Variant Classification Scheme 2023. Collection method: clinical testing. Allele origin: germline.

Labcorp Genetics (formerly Invitae), Labcorp
Classification: Uncertain significance for Cenani-Lenz syndactyly syndrome; Sclerosteosis 2; Congenital myasthenic syndrome 17. Last evaluated: 2022-08-18. Review status: criteria provided, single submitter. Criteria: Invitae Variant Classification Sherloc (09022015). Collection method: clinical testing. Allele origin: germline.
Comment: This sequence change replaces arginine, which is basic and polar, with glutamine, which is neutral and polar, at codon 973 of the LRP4 protein (p.Arg973Gln). This variant is present in population databases (rs200029707, gnomAD 0.006%). This variant has not been reported in the literature in individuals affected with LRP4-related conditions. Algorithms developed to predict the effect of missense changes on protein structure and function are either unavailable or do not agree on the potential impact of this missense change (SIFT: "Deleterious"; PolyPhen-2: "Benign"; Align-GVGD: "Class C0"). In summary, the available evidence is currently insufficient to determine the role of this variant in disease. Therefore, it has been classified as a Variant of Uncertain Significance.